The following is an entry in ClinVar:

NM_014363.6(SACS):c.2367T>C (p.His789=)

Gene: SACS (sacsin molecular chaperone; minus strand). Cytogenetic location: 13q12.12.
Variant type: single nucleotide variant.
Coding change: c.2367T>C on transcript NM_014363.6 (MANE Select); coding-DNA position 2367, T replaced by C.
Protein change: p.His789=; no amino-acid change (histidine 789 retained).
Molecular consequence: synonymous variant.
Genome position (GRCh38, 1-based): chr13:23,341,509, A>G on the plus strand (T>C on the coding strand, the complement: SACS is on the minus strand). VCF-style: chr13-23341509-A-G. GRCh37 (hg19) VCF-style: chr13-23915648-A-G.
Other names: p.His789=; c.1926T>C, p.His642= (NM_001278055.2); c.2394T>C, p.His798= (NM_001437336.1).
Identifiers: ClinVar variation 4683782 (VCV004683782.1).

ClinVar aggregate classification (germline): Likely benign (1 of 4 stars; one submission).

Submission:

Mayo Clinic Laboratories, Mayo Clinic
Classification: Likely benign. Last evaluated: 2025-02-17. Review status: criteria provided, single submitter. Criteria: ACMG Guidelines, 2015. Collection method: clinical testing. Allele origin: germline. Observed: 1 variant allele.
Comment: BP4, BP7, PM2_supporting